The following is an entry in ClinVar:

NM_000760.4(CSF3R):c.1272C>G (p.Phe424Leu)

Gene: CSF3R (colony stimulating factor 3 receptor; minus strand). Cytogenetic location: 1p34.3.
Variant type: single nucleotide variant.
Coding change: c.1272C>G on transcript NM_000760.4 (MANE Select); coding-DNA position 1272, C replaced by G.
Protein change: p.Phe424Leu; replaces phenylalanine 424 with leucine.
Molecular consequence: missense variant.
Genome position (GRCh38, 1-based): chr1:36,471,446, G>C on the plus strand (C>G on the coding strand, the complement: CSF3R is on the minus strand). VCF-style: chr1-36471446-G-C. GRCh37 (hg19) VCF-style: chr1-36937047-G-C.
Other names: c.1272C>G, p.Phe424Leu (NM_156039.3, NM_172313.3); short protein forms F424L.
Identifiers: ClinVar variation 2741334 (VCV002741334.3), dbSNP rs1260311316, ClinGen allele CA339421577.

ClinVar aggregate classification (germline): Uncertain significance (1 of 4 stars; one submission).

Conditions:
Autosomal recessive severe congenital neutropenia due to CSF3R deficiency. Also called: Neutropenia, severe congenital, 7, autosomal recessive. Identifiers: Orphanet 420702, MedGen C4310764, MONDO:0014865, OMIM 617014.

Submission:

Labcorp Genetics (formerly Invitae), Labcorp
Classification: Uncertain significance for Autosomal recessive severe congenital neutropenia due to CSF3R deficiency. Last evaluated: 2023-07-10. Review status: criteria provided, single submitter. Criteria: Invitae Variant Classification Sherloc (09022015). Collection method: clinical testing. Allele origin: germline.
Comment: In summary, the available evidence is currently insufficient to determine the role of this variant in disease. Therefore, it has been classified as a Variant of Uncertain Significance. Advanced modeling of protein sequence and biophysical properties (such as structural, functional, and spatial information, amino acid conservation, physicochemical variation, residue mobility, and thermodynamic stability) performed at Invitae indicates that this missense variant is not expected to disrupt CSF3R protein function. This variant has not been reported in the literature in individuals affected with CSF3R-related conditions. This variant is not present in population databases (gnomAD no frequency). This sequence change replaces phenylalanine, which is neutral and non-polar, with leucine, which is neutral and non-polar, at codon 424 of the CSF3R protein (p.Phe424Leu).